The following is an entry in ClinVar:

ClinVar aggregate classification (germline): Uncertain significance (0 of 4 stars; one submission).

Conditions:
USH2A-related disorder. Also called: USH2A-related disorders; USH2A-related condition. Identifiers: MedGen CN239332.

Submission:

PreventionGenetics, part of Exact Sciences
Classification: Uncertain significance for USH2A-related condition. Last evaluated: 2024-09-17. Review status: no assertion criteria provided. Collection method: clinical testing. Allele origin: germline.
Comment: The USH2A c.4648A>C variant is predicted to result in the amino acid substitution p.Thr1550Pro. To our knowledge, this variant has not been reported in the literature or in a large population database, indicating this variant is rare. A substitution of the adjacent amino acid residue (p.Arg1549Pro) has been reported along with a second USH2A variant in an individual with Usher syndrome (Mansard et al. 2021. PubMed ID: 34948090). This variant is predicted to be damaging based on in silico missense prediction algorithms. Although we suspect that this variant may be pathogenic, at this time, the clinical significance of this variant is uncertain due to the absence of conclusive functional and genetic evidence.

NM_206933.4(USH2A):c.4648A>C (p.Thr1550Pro)

Gene: USH2A (usherin; minus strand). Cytogenetic location: 1q41.
Variant type: single nucleotide variant.
Coding change: c.4648A>C on transcript NM_206933.4 (MANE Select); coding-DNA position 4648, A replaced by C.
Protein change: p.Thr1550Pro; replaces threonine 1550 with proline.
Molecular consequence: missense variant.
Genome position (GRCh38, 1-based): chr1:216,097,193, T>G on the plus strand (A>C on the coding strand, the complement: USH2A is on the minus strand). VCF-style: chr1-216097193-T-G. GRCh37 (hg19) VCF-style: chr1-216270535-T-G.
Other names: short protein forms T1550P.
Identifiers: ClinVar variation 3357071 (VCV003357071.1).
Genomic context (GRCh38, chr1:216,097,193, plus strand): 5'-AATACTCTTCCTGATTGCCAGGTGATGCTGCAAAGACAATCAAACCTTCAGGCACTTTTG[T>G]TCGAAAGCTGGCCTTAATGCCTGGTAAGACAAGTGTGATCAGCAAATCAGTGCTGGGGTT-3'
Protein context (NP_996816.3, residues 1540-1560): DFTGIKASFR[Thr1550Pro]KVPEGLIVFA